The following is an entry in ClinVar:

ClinVar aggregate classification (germline): Conflicting classifications of pathogenicity. Review status: criteria provided, conflicting classifications (1 of 4 stars). 6 submissions from 6 submitters: Likely pathogenic (4); Uncertain significance (1). 1 of the submissions does not count toward it. Last evaluated 2025-07-31.

Conditions:
Wilson disease (WND). Also called: Wilson's disease. Identifiers: Orphanet 905, MedGen C0019202, MONDO:0010200, OMIM 277900. Disease mechanism: loss of function.

Submissions (6):

Natera, Inc.
Classification: Likely pathogenic for Wilson disease. Last evaluated: 2025-07-31. Review status: criteria provided, single submitter. Criteria: Natera Variant Classification Schema (03/2026). Collection method: clinical testing. Allele origin: germline.
Comment: The c.4125-2A>G variant in ATP7B is a canonical splice acceptor site variant predicted to affect pre-mRNA splicing, which may result in an abnormal transcript and altered protein product. This variant may result in a truncated or dysfunctional protein product. This variant is rare in the general population with a frequency below the threshold expected for the associated phenotype(s). This variant has been observed in one or more individuals affected with the associated recessive disease, as either homozygous or compound heterozygous with a second variant (PMID: 30232804). Another variant at this same site results in an alteration predicted to cause a similar molecular effect has been observed in individual(s) with the associated phenotype. Given the available evidence, this variant is classified as Likely Pathogenic.

Myriad Genetics, Inc.
Classification: Likely pathogenic for Wilson disease. Last evaluated: 2025-07-08. Review status: criteria provided, single submitter. Criteria: Myriad Autosomal Dominant, Autosomal Recessive and X-Linked Classification Criteria (2023). Collection method: clinical testing. Allele origin: unknown.
Comment: NM_000053.3(ATP7B):c.4125-2A>G is a variant in a canonical splice site classified as likely pathogenic in the context of Wilson disease. c.4125-2A>G has been observed in cases with relevant disease (PMID: 31708252). Relevant functional assessments of this variant are not available in the literature. c.4125-2A>G has not been observed in referenced population frequency databases. In summary, NM_000053.3(ATP7B):c.4125-2A>G is a variant in a canonical splice site in a gene where loss of function is a known mechanism of disease, is predicted to disrupt protein function, and has been observed more frequently in cases with the relevant disease than in healthy populations. Please note: this variant was assessed in the context of healthy population screening.

Fulgent Genetics
Classification: Likely pathogenic for Wilson disease. Last evaluated: 2024-04-23. Review status: criteria provided, single submitter. Criteria: ACMG Guidelines, 2015. Collection method: clinical testing. Allele origin: germline.

Baylor Genetics
Classification: Likely pathogenic for Wilson disease. Last evaluated: 2024-02-19. Review status: criteria provided, single submitter. Criteria: ACMG Guidelines, 2015. Collection method: clinical testing. Allele origin: unknown.

Labcorp Genetics (formerly Invitae), Labcorp
Classification: Uncertain significance for Wilson disease. Last evaluated: 2022-06-23. Review status: criteria provided, single submitter. Criteria: Invitae Variant Classification Sherloc (09022015). Collection method: clinical testing. Allele origin: germline.
Comment: In summary, the available evidence is currently insufficient to determine the role of this variant in disease. Therefore, it has been classified as a Variant of Uncertain Significance. Variants that disrupt the consensus splice site are a relatively common cause of aberrant splicing (PMID: 17576681, 9536098). Algorithms developed to predict the effect of sequence changes on RNA splicing suggest that this variant may disrupt the consensus splice site. ClinVar contains an entry for this variant (Variation ID: 552956). Disruption of this splice site has been observed in individual(s) with Wilson disease (PMID: 31708252). This variant is not present in population databases (gnomAD no frequency). This sequence change affects an acceptor splice site in intron 20 of the ATP7B gene. While this variant is not anticipated to result in nonsense mediated decay, it likely alters RNA splicing and results in a disrupted protein product.

Counsyl
Classification: Likely pathogenic for Wilson disease. Last evaluated: 2017-07-31. Review status: no assertion criteria provided. Collection method: clinical testing. Allele origin: unknown. Not counted in ClinVar's aggregate classification.

Literature cited by the submitters: PubMed 30232804 (cited by Natera, Inc.); PubMed 31708252 (cited by Myriad Genetics, Inc. and Labcorp Genetics (formerly Invitae), Labcorp); PubMed 17576681 (cited by Labcorp Genetics (formerly Invitae), Labcorp); PubMed 9536098 (cited by Labcorp Genetics (formerly Invitae), Labcorp).

NM_000053.4(ATP7B):c.4125-2A>G

Gene: ATP7B (ATPase copper transporting beta; minus strand). Cytogenetic location: 13q14.3.
Variant type: single nucleotide variant.
Coding change: c.4125-2A>G on transcript NM_000053.4 (MANE Select); the canonical splice acceptor site of the intron before coding-DNA position 4125, A replaced by G.
Molecular consequence: splice acceptor variant.
Genome position (GRCh38, 1-based): chr13:51,935,031, T>C on the plus strand (A>G on the coding strand, the complement: ATP7B is on the minus strand). VCF-style: chr13-51935031-T-C. GRCh37 (hg19) VCF-style: chr13-52509167-T-C.
Other names: c.3930-2A>G (NM_001406525.1); c.3942-2A>G (NM_001406523.1); c.3921-2A>G (NM_001406526.1); c.4029-2A>G (NM_001406518.1, NM_001406517.1); c.3696-2A>G (NM_001406539.1); c.3543-2A>G (NM_001406544.1); c.3795-2A>G (NM_001406536.1, NM_001406535.1); c.3885-2A>G (NM_001406530.1); and 21 more.
Identifiers: ClinVar variation 552956 (VCV000552956.10), dbSNP rs1555282347, ClinGen allele CA388019882.